The following is an entry in ClinVar:

ClinVar aggregate classification (germline): Conflicting classifications of pathogenicity. Review status: criteria provided, conflicting classifications (1 of 4 stars). 5 submissions from 5 submitters: Uncertain significance (4); Likely benign (1). Last evaluated 2026-01-18.

Conditions:
OTOF-related disorder. Also called: OTOF-related condition.
Autosomal recessive nonsyndromic hearing loss 9. Also called: Deafness, autosomal recessive 9; NEUROSENSORY NONSYNDROMIC RECESSIVE DEAFNESS 9; AUDITORY NEUROPATHY, AUTOSOMAL RECESSIVE, 1, TEMPERATURE-SENSITIVE; OTOF-Related Hearing Loss. Identifiers: Orphanet 90636, MedGen C1832828, MONDO:0010986, OMIM 601071.

Allele frequency attached by ClinVar (database versions not stated): TOPMed 0.00002; ESP Exome Variant Server 0.00008.
gnomAD v4.1: 29 of 1,554,406 alleles (0.0019%); highest among the groups gnomAD compares: Middle Eastern, 0.033%; 1 homozygote.

Submissions (5):

PreventionGenetics, part of Exact Sciences
Classification: Uncertain significance for OTOF-related condition. Last evaluated: 2026-01-18. Review status: criteria provided, single submitter. Criteria: ACMG Guidelines, 2015. Collection method: clinical testing. Allele origin: germline.
Comment: The OTOF c.97C>T variant is predicted to result in the amino acid substitution p.Arg33Trp. To our knowledge, this variant has not been reported in the literature. This variant is reported in 0.011% of alleles in individuals of African descent in gnomAD. At this time, the clinical significance of this variant is uncertain due to the absence of conclusive functional and genetic evidence.

Labcorp Genetics (formerly Invitae), Labcorp
Classification: Likely benign. Last evaluated: 2026-01-17. Review status: criteria provided, single submitter. Criteria: Invitae Variant Classification Sherloc (09022015). Collection method: clinical testing. Allele origin: germline.

Blueprint Genetics
Classification: Uncertain significance. Last evaluated: 2023-11-24. Review status: criteria provided, single submitter. Criteria: ACMG Guidelines, 2015. Collection method: clinical testing. Allele origin: germline.

Department of Pathology and Laboratory Medicine, Sinai Health System
Classification: Uncertain significance for Autosomal recessive nonsyndromic hearing loss 9. Last evaluated: 2022-03-25. Review status: criteria provided, single submitter. Criteria: ACMG Guidelines, 2015. Collection method: research. Allele origin: germline.

Illumina Laboratory Services, Illumina
Classification: Uncertain significance for Autosomal recessive nonsyndromic hearing loss 9. Last evaluated: 2018-01-13. Review status: criteria provided, single submitter. Criteria: ICSL Variant Classification Criteria 13 December 2019. Collection method: clinical testing. Allele origin: germline.

NM_194248.3(OTOF):c.97C>T (p.Arg33Trp)

Gene: OTOF (otoferlin; minus strand). Cytogenetic location: 2p23.3.
Variant type: single nucleotide variant.
Coding change: c.97C>T on transcript NM_194248.3 (MANE Select); coding-DNA position 97, C replaced by T.
Protein change: p.Arg33Trp; replaces arginine 33 with tryptophan.
Molecular consequence: missense variant.
Genome position (GRCh38, 1-based): chr2:26,537,757, G>A on the plus strand (C>T on the coding strand, the complement: OTOF is on the minus strand). VCF-style: chr2-26537757-G-A. GRCh37 (hg19) VCF-style: chr2-26760625-G-A.
Other names: c.97C>T, p.Arg33Trp (NM_001287489.2); short protein forms R33W.
Identifiers: ClinVar variation 335463 (VCV000335463.12), dbSNP rs150867836, ClinGen allele CA1564813.
Genomic context (GRCh38, chr2:26,537,757, plus strand): 5'-GGAGTCTTGGGCCTCCTACCTCATCAAAGTCAGCCACATCCTCACAGTTCTCCAGGACCC[G>A]AGAGTAGAAGGATTGCCCTGTGGGGAAAGAGGAAATAAATTCTAGGGTCAGAGCTGTCCA-3'
Protein context (NP_919224.1, residues 23-43): VTFRGQSFYS[Arg33Trp]VLENCEDVAD